The following is an entry in ClinVar:

NM_024675.4(PALB2):c.3298_3305dup (p.Ser1102fs)

Gene: PALB2 (partner and localizer of BRCA2; minus strand). Cytogenetic location: 16p12.2.
Variant type: Duplication.
Coding change: c.3298_3305dup on transcript NM_024675.4 (MANE Select); coding-DNA positions 3298 to 3305, 8 bases duplicated (ACTCTCAG; older notation c.3298_3305dupACTCTCAG).
Protein change: p.Ser1102fs; shifts the reading frame from serine 1102.
Molecular consequence: frameshift variant. On other transcripts: intron variant (8).
Genome position (GRCh38, 1-based): chr16:23,607,909-23,607,916, CTGAGAGT duplicated on the plus strand (ACTCTCAG on the coding strand, the reverse complement: PALB2 is on the minus strand); duplicating any 8 consecutive bases within chr16:23,607,909-23,607,917 gives the same sequence; the c. name uses the placement nearest the transcript's 3' end. VCF-style (leftmost placement, unchanged base first): chr16-23607908-G-GCTGAGAGT. GRCh37 (hg19) VCF-style: chr16-23619229-G-GCTGAGAGT.
Other names: c.3238_3245dup, p.Ser1082fs (NM_001407296.1); c.3226_3233dup, p.Ser1078fs (NM_001407297.1); c.3136_3143dup, p.Ser1048fs (NM_001407298.1); c.3019_3026dup, p.Ser1009fs (NM_001407300.1); c.2413_2420dup, p.Ser807fs (NM_001407304.1, NM_001407305.1, NM_001407306.1); c.2251_2258dup, p.Ser753fs (NM_001407307.1); c.1510_1517dup, p.Ser506fs (NM_001407312.1); c.832_839dup, p.Ser280fs (NM_001407314.1); and 6 more; short protein forms S1009fs, S1048fs, S1078fs, S1082fs, S1102fs, S280fs, S506fs, S753fs.
Identifiers: ClinVar variation 2674113 (VCV002674113.1), dbSNP rs1567206799, ClinGen allele CA621661705.

ClinVar aggregate classification (germline): Pathogenic (1 of 4 stars; one submission).

Conditions:
Familial cancer of breast. Also called: Hereditary breast cancer; BREAST CANCER, FAMILIAL; hereditary breast carcinoma. Identifiers: Orphanet 227535, MedGen C0346153, MONDO:0016419, OMIM 114480. Disease mechanism: loss of function.

Submission:

Myriad Genetics, Inc.
Classification: Pathogenic for Familial cancer of breast. Last evaluated: 2023-09-15. Review status: criteria provided, single submitter. Criteria: Myriad Autosomal Dominant, Autosomal Recessive and X-Linked Classification Criteria (2023). Collection method: clinical testing. Allele origin: unknown.
Comment: This variant is considered pathogenic. This variant creates a frameshift predicted to result in premature protein truncation.